The following is an entry in ClinVar:

ClinVar aggregate classification (germline): Benign/Likely benign. Review status: criteria provided, multiple submitters, no conflicts (2 of 4 stars). 4 submissions from 4 submitters: Benign (3); Likely benign (1). Last evaluated 2026-01-31.

Conditions:
Fraser syndrome 1 (FRASRS1). Also called: CRYPTOPHTHALMOS WITH OTHER MALFORMATIONS. Identifiers: Orphanet 2052, MedGen C4551480, MONDO:0054737, OMIM 219000.

Allele frequency attached by ClinVar (database versions not stated): gnomAD exomes 0.00114 and 0.00285; ExAC 0.00367; gnomAD 0.01152 and 0.01250; 1000 Genomes Project 0.01178; 1000 Genomes Project 30x 0.01218; ESP Exome Variant Server 0.01305; TOPMed 0.01322.
gnomAD v4.1: 3,492 of 1,613,998 alleles (0.22%); highest among the groups gnomAD compares: African/African-American, 4.1%; 62 homozygotes.

Submissions (4):

Labcorp Genetics (formerly Invitae), Labcorp
Classification: Benign. Last evaluated: 2026-01-31. Review status: criteria provided, single submitter. Criteria: Invitae Variant Classification Sherloc (09022015). Collection method: clinical testing. Allele origin: germline.

Fulgent Genetics
Classification: Likely benign for Fraser syndrome 1. Last evaluated: 2021-09-29. Review status: criteria provided, single submitter. Criteria: ACMG Guidelines, 2015. Collection method: clinical testing. Allele origin: unknown.

Illumina Laboratory Services, Illumina
Classification: Benign for Fraser syndrome 1. Last evaluated: 2018-01-13. Review status: criteria provided, single submitter. Criteria: ICSL Variant Classification Criteria 13 December 2019. Collection method: clinical testing. Allele origin: germline.
Comment: This variant was observed in the ICSL laboratory as part of a predisposition screen in an ostensibly healthy population. It had not been previously curated by ICSL or reported in the Human Gene Mutation Database (HGMD: prior to June 1st, 2018), and was therefore a candidate for classification through an automated scoring system. Utilizing variant allele frequency, disease prevalence and penetrance estimates, and inheritance mode, an automated score was calculated to assess if this variant is too frequent to cause the disease. Based on the score and internal cut-off values, a variant classified as benign is not then subjected to further curation. The score for this variant resulted in a classification of benign for this disease.

Breakthrough Genomics
Classification: Benign. Review status: criteria provided, single submitter. Criteria: ACMG Guidelines, 2015. Collection method: not provided. Allele origin: germline. Inheritance: Autosomal recessive inheritance. Affected: yes.

NM_025074.7(FRAS1):c.10230C>T (p.Tyr3410=)

Gene: FRAS1 (Fraser extracellular matrix complex subunit 1; plus strand). Cytogenetic location: 4q21.21.
Variant type: single nucleotide variant.
Coding change: c.10230C>T on transcript NM_025074.7 (MANE Select); coding-DNA position 10230, C replaced by T.
Protein change: p.Tyr3410=; no amino-acid change (tyrosine 3410 retained).
Molecular consequence: synonymous variant.
Genome position (GRCh38, 1-based): chr4:78,515,854, C>T. VCF-style: chr4-78515854-C-T. GRCh37 (hg19) VCF-style: chr4-79437008-C-T.
Identifiers: ClinVar variation 349795 (VCV000349795.16), dbSNP rs34034599, ClinGen allele CA2978893.